The following is an entry in ClinVar:

ClinVar aggregate classification (germline): Uncertain significance. Review status: criteria provided, multiple submitters, no conflicts (2 of 4 stars). 3 submissions from 3 submitters: Uncertain significance (3). Last evaluated 2025-08-09.

Conditions:
Inborn genetic diseases. Identifiers: MedGen C0950123, MeSH D030342.

Allele frequency attached by ClinVar (database versions not stated): ExAC 0.00001; gnomAD exomes 0.00001 and 0.00002; ESP Exome Variant Server 0.00008; gnomAD 0.00012 and 0.00014; TOPMed 0.00014.

Submissions (3):

Labcorp Genetics (formerly Invitae), Labcorp
Classification: Uncertain significance. Last evaluated: 2025-08-09. Review status: criteria provided, single submitter. Criteria: Invitae Variant Classification Sherloc (09022015). Collection method: clinical testing. Allele origin: germline.
Comment: This sequence change replaces glutamic acid, which is acidic and polar, with alanine, which is neutral and non-polar, at codon 302 of the LRIT3 protein (p.Glu302Ala). This variant is present in population databases (rs369314060, gnomAD 0.03%). This variant has not been reported in the literature in individuals affected with LRIT3-related conditions. ClinVar contains an entry for this variant (Variation ID: 1468058). An algorithm developed to predict the effect of missense changes on protein structure and function (PolyPhen-2) suggests that this variant is likely to be tolerated. In summary, the available evidence is currently insufficient to determine the role of this variant in disease. Therefore, it has been classified as a Variant of Uncertain Significance.

Ambry Genetics
Classification: Uncertain significance for Inborn genetic diseases. Last evaluated: 2022-01-31. Review status: criteria provided, single submitter. Criteria: Ambry Variant Classification Scheme 2023. Collection method: clinical testing. Allele origin: germline.

Blueprint Genetics
Classification: Uncertain significance. Last evaluated: 2018-10-18. Review status: criteria provided, single submitter. Criteria: ACMG Guidelines, 2015. Collection method: clinical testing. Allele origin: germline.

NM_198506.5(LRIT3):c.905A>C (p.Glu302Ala)

Gene: LRIT3 (leucine rich repeat, Ig-like and transmembrane domains 3; plus strand). Cytogenetic location: 4q25.
Variant type: single nucleotide variant.
Coding change: c.905A>C on transcript NM_198506.5 (MANE Select); coding-DNA position 905, A replaced by C.
Protein change: p.Glu302Ala; replaces glutamic acid 302 with alanine.
Molecular consequence: missense variant.
Genome position (GRCh38, 1-based): chr4:109,869,654, A>C. VCF-style: chr4-109869654-A-C. GRCh37 (hg19) VCF-style: chr4-110790810-A-C.
Other names: c.770A>C (NM_198506.2); short protein forms E302A.
Identifiers: ClinVar variation 1468058 (VCV001468058.10), dbSNP rs369314060, ClinGen allele CA3043097.